The following is an entry in ClinVar:

NM_001127511.3(APC):c.96C>G (p.Ser32Arg)

Gene: APC (APC regulator of Wnt signaling pathway; plus strand). Cytogenetic location: 5q22.2.
Variant type: single nucleotide variant.
Coding change: c.96C>G on transcript NM_001127511.3; coding-DNA position 96, C replaced by G.
Protein change: p.Ser32Arg; replaces serine 32 with arginine.
Molecular consequence: missense variant. On other transcripts: 5 prime UTR variant (8), non-coding transcript variant (1), intron variant (5).
Genome position (GRCh38, 1-based): chr5:112,707,813, C>G. VCF-style: chr5-112707813-C-G. GRCh37 (hg19) VCF-style: chr5-112043510-C-G.
Other names: c.-88C>G (NM_001354895.2, NM_001407447.1, NM_001407452.1 and 3 more transcripts); c.96C>G, p.Ser32Arg (NM_001354897.2, NM_001354902.2, NM_001407446.1); c.-1123C>G (NM_001407470.1, NM_001407472.1); c.-19+164C>G (NM_001407448.1, NM_001407450.1, NM_001407457.1 and 1 more transcripts); c.-43+164C>G (NM_001407453.1); short protein forms S32R.
Identifiers: ClinVar variation 1009811 (VCV001009811.9), dbSNP rs1446044641, ClinGen allele CA360611965.

ClinVar aggregate classification (germline): Uncertain significance (1 of 4 stars; one submission).

Conditions:
Familial adenomatous polyposis 1 (FAP1). Also called: FAMILIAL ADENOMATOUS POLYPOSIS 1, ATTENUATED; POLYPOSIS, ADENOMATOUS INTESTINAL. Identifiers: MedGen C2713442, MONDO:0021056, OMIM 175100. Disease mechanism: loss of function.

Allele frequency attached by ClinVar (database versions not stated): gnomAD 0.00001.
gnomAD v4.1: 3 of 1,370,544 alleles (0.00022%); highest among the groups gnomAD compares: Non-Finnish European, 0.000096%; no homozygotes.

Submission:

Labcorp Genetics (formerly Invitae), Labcorp
Classification: Uncertain significance for Familial adenomatous polyposis 1. Last evaluated: 2022-03-14. Review status: criteria provided, single submitter. Criteria: Invitae Variant Classification Sherloc (09022015). Collection method: clinical testing. Allele origin: germline.
Comment: In summary, the available evidence is currently insufficient to determine the role of this variant in disease. Therefore, it has been classified as a Variant of Uncertain Significance. Algorithms developed to predict the effect of sequence changes on RNA splicing suggest that this variant may create or strengthen a splice site. Experimental studies and prediction algorithms are not available or were not evaluated, and the functional significance of this variant is currently unknown. This variant has not been reported in the literature in individuals affected with APC-related conditions. This variant is not present in population databases (gnomAD no frequency). This variant occurs in a non-coding region of the APC gene. It does not change the encoded amino acid sequence of the APC protein.